The following is an entry in ClinVar:

ClinVar aggregate classification (germline): Uncertain significance (1 of 4 stars; one submission).

Allele frequency attached by ClinVar (database versions not stated): gnomAD 0.00001; gnomAD exomes 0.00001 and 0.00002; TOPMed 0.00001.
gnomAD v4.1: 23 of 1,614,096 alleles (0.0014%); highest among the groups gnomAD compares: Admixed American, 0.015%; no homozygotes.

Submission:

Labcorp Genetics (formerly Invitae), Labcorp
Classification: Uncertain significance. Last evaluated: 2024-01-08. Review status: criteria provided, single submitter. Criteria: Invitae Variant Classification Sherloc (09022015). Collection method: clinical testing. Allele origin: germline.
Comment: This sequence change replaces proline, which is neutral and non-polar, with leucine, which is neutral and non-polar, at codon 648 of the SH3PXD2B protein (p.Pro648Leu). This variant is present in population databases (rs753591975, gnomAD 0.01%). This variant has not been reported in the literature in individuals affected with SH3PXD2B-related conditions. ClinVar contains an entry for this variant (Variation ID: 1389723). An algorithm developed to predict the effect of missense changes on protein structure and function (PolyPhen-2) suggests that this variant is likely to be tolerated. In summary, the available evidence is currently insufficient to determine the role of this variant in disease. Therefore, it has been classified as a Variant of Uncertain Significance.

NM_001017995.3(SH3PXD2B):c.1943C>T (p.Pro648Leu)

Gene: SH3PXD2B (SH3 and PX domains 2B; minus strand). Cytogenetic location: 5q35.1.
Variant type: single nucleotide variant.
Coding change: c.1943C>T on transcript NM_001017995.3 (MANE Select); coding-DNA position 1943, C replaced by T.
Protein change: p.Pro648Leu; replaces proline 648 with leucine.
Molecular consequence: missense variant. On other transcripts: intron variant (1).
Genome position (GRCh38, 1-based): chr5:172,339,162, G>A on the plus strand (C>T on the coding strand, the complement: SH3PXD2B is on the minus strand). VCF-style: chr5-172339162-G-A. GRCh37 (hg19) VCF-style: chr5-171766166-G-A.
Other names: c.1188+6974C>T (NM_001308175.2); short protein forms P648L.
Identifiers: ClinVar variation 1389723 (VCV001389723.6), dbSNP rs753591975, ClinGen allele CA132183570.
Genomic context (GRCh38, chr5:172,339,162, plus strand): 5'-CTCCTGAGGTTGCAGATGTCGACTTGGTCTTCGCCCTGAGGTGGCTCCGTTTTGGGGGAA[G>A]GAGCTGGTTTTGGCCTAACCTGAGGTCTGGACTTCAAGAAGGGATTCTGGGGAGTGGCAT-3'
Protein context (NP_001017995.1, residues 638-658): SRPQVRPKPA[Pro648Leu]SPKTEPPQGE